The following is an entry in ClinVar:

NM_000642.3(AGL):c.1054A>G (p.Ile352Val)

Gene: AGL (amylo-alpha-1,6-glucosidase and 4-alpha-glucanotransferase; plus strand). Cytogenetic location: 1p21.2.
Variant type: single nucleotide variant.
Coding change: c.1054A>G on transcript NM_000642.3 (MANE Select); coding-DNA position 1054, A replaced by G.
Protein change: p.Ile352Val; replaces isoleucine 352 with valine.
Molecular consequence: missense variant.
Genome position (GRCh38, 1-based): chr1:99,874,782, A>G. VCF-style: chr1-99874782-A-G. GRCh37 (hg19) VCF-style: chr1-100340338-A-G.
Other names: c.1054A>G, p.Ile352Val (NM_000028.3, NM_000643.3, NM_000644.3 and 3 more transcripts); c.1006A>G, p.Ile336Val (NM_000646.3); c.850A>G, p.Ile284Val (NM_001425328.1, NM_001425329.1); c.676A>G, p.Ile226Val (NM_001425332.1); short protein forms I352V, I336V, I226V, I284V.
Identifiers: ClinVar variation 966194 (VCV000966194.12), dbSNP rs1651360894, ClinGen allele CA341343442.
Genomic context (GRCh38, chr1:99,874,782, plus strand): 5'-CACCTTACGATTATTCAAGATCCTGAATACAGACGGTTTGGCTGTACTGTAGATATGAAC[A>G]TTGCACTAACGACTTTCATACCACATGAGTATGTAATGTGTTTTTTTCTGTGAAATAATA-3'
Protein context (NP_000633.2, residues 342-362): RRFGCTVDMN[Ile352Val]ALTTFIPHDK

ClinVar aggregate classification (germline): Uncertain significance. Review status: criteria provided, multiple submitters, no conflicts (2 of 4 stars). 4 submissions from 4 submitters: Uncertain significance (3). 1 of the submissions does not count toward it. Last evaluated 2023-04-11.

Conditions:
Glycogen storage disease type III (GSD3). Also called: FORBES DISEASE; Cori disease. Identifiers: Orphanet 366, MedGen C0017922, MONDO:0009291, OMIM 232400.

Allele frequency attached by ClinVar (database versions not stated): gnomAD exomes below 0.00001.
gnomAD v4.1: 4 of 1,611,078 alleles (0.00025%); highest among the groups gnomAD compares: Non-Finnish European, 0.00034%; no homozygotes.

Submissions (4):

Genome-Nilou Lab
Classification: Uncertain significance for Glycogen storage disease type III. Last evaluated: 2023-04-11. Review status: criteria provided, single submitter. Criteria: ACMG Guidelines, 2015. Collection method: clinical testing. Allele origin: germline. Affected: no.

Labcorp Genetics (formerly Invitae), Labcorp
Classification: Uncertain significance for Glycogen storage disease type III. Last evaluated: 2022-09-27. Review status: criteria provided, single submitter. Criteria: Invitae Variant Classification Sherloc (09022015). Collection method: clinical testing. Allele origin: germline.
Comment: This sequence change replaces isoleucine, which is neutral and non-polar, with valine, which is neutral and non-polar, at codon 352 of the AGL protein (p.Ile352Val). This variant is not present in population databases (gnomAD no frequency). This variant has not been reported in the literature in individuals affected with AGL-related conditions. ClinVar contains an entry for this variant (Variation ID: 966194). Advanced modeling of protein sequence and biophysical properties (such as structural, functional, and spatial information, amino acid conservation, physicochemical variation, residue mobility, and thermodynamic stability) performed at Invitae indicates that this missense variant is not expected to disrupt AGL protein function. In summary, the available evidence is currently insufficient to determine the role of this variant in disease. Therefore, it has been classified as a Variant of Uncertain Significance.

Fulgent Genetics
Classification: Uncertain significance for Glycogen storage disease type III. Last evaluated: 2022-02-01. Review status: criteria provided, single submitter. Criteria: ACMG Guidelines, 2015. Collection method: clinical testing. Allele origin: unknown.

Natera, Inc.
Classification: Uncertain significance for Glycogen storage disease type III. Last evaluated: 2021-04-15. Review status: no assertion criteria provided. Collection method: clinical testing. Allele origin: germline. Not counted in ClinVar's aggregate classification.